The following is an entry in ClinVar:

NM_001261826.3(AP3D1):c.1687A>G (p.Ser563Gly)

Gene: AP3D1 (adaptor related protein complex 3 subunit delta 1; minus strand). Cytogenetic location: 19p13.3.
Variant type: single nucleotide variant.
Coding change: c.1687A>G on transcript NM_001261826.3 (MANE Select); coding-DNA position 1687, A replaced by G.
Protein change: p.Ser563Gly; replaces serine 563 with glycine.
Molecular consequence: missense variant.
Genome position (GRCh38, 1-based): chr19:2,118,627, T>C on the plus strand (A>G on the coding strand, the complement: AP3D1 is on the minus strand). VCF-style: chr19-2118627-T-C. GRCh37 (hg19) VCF-style: chr19-2118626-T-C.
Other names: c.1687A>G, p.Ser563Gly (NM_001374799.1, NM_003938.8); short protein forms S563G.
Identifiers: ClinVar variation 2134238 (VCV002134238.4), dbSNP rs2512164212, ClinGen allele CA403220899.

ClinVar aggregate classification (germline): Uncertain significance (1 of 4 stars; one submission).

Allele frequency attached by ClinVar (database versions not stated): gnomAD exomes below 0.00001.
gnomAD v4.1: 1 of 1,611,498 alleles (0.000062%); highest among the groups gnomAD compares: Non-Finnish European, 0.000085%; no homozygotes.

Submission:

Labcorp Genetics (formerly Invitae), Labcorp
Classification: Uncertain significance. Last evaluated: 2022-05-05. Review status: criteria provided, single submitter. Criteria: Invitae Variant Classification Sherloc (09022015). Collection method: clinical testing. Allele origin: germline.
Comment: In summary, the available evidence is currently insufficient to determine the role of this variant in disease. Therefore, it has been classified as a Variant of Uncertain Significance. Algorithms developed to predict the effect of missense changes on protein structure and function (SIFT, PolyPhen-2, Align-GVGD) all suggest that this variant is likely to be disruptive. This variant has not been reported in the literature in individuals affected with AP3D1-related conditions. This variant is not present in population databases (gnomAD no frequency). This sequence change replaces serine, which is neutral and polar, with glycine, which is neutral and non-polar, at codon 563 of the AP3D1 protein (p.Ser563Gly).